The following is an entry in ClinVar:

NM_015975.5(TAF9B):c.15G>C (p.Lys5Asn)

Genes: TAF9B (TATA-box binding protein associated factor 9b; minus strand), LOC130068465 (ATAC-STARR-seq lymphoblastoid active region 29785; plus strand). Cytogenetic location: Xq21.1.
Variant type: single nucleotide variant.
Coding change: c.15G>C on transcript NM_015975.5 (MANE Select); coding-DNA position 15, G replaced by C.
Protein change: p.Lys5Asn; replaces lysine 5 with asparagine.
Molecular consequence: missense variant.
Genome position (GRCh38, 1-based): chrX:78,139,597, C>G on the plus strand (G>C on the coding strand, the complement: TAF9B is on the minus strand). VCF-style: chrX-78139597-C-G. GRCh37 (hg19) VCF-style: chrX-77395094-C-G.
Other names: short protein forms K5N.
Identifiers: ClinVar variation 4865296 (VCV004865296.1).
Genomic context (GRCh38, chrX:78,139,597, plus strand): 5'-CCGCGGCTTATCCTTCGCACTTACCAAGGCATCTCTCGGAGCGTTCTTGGGAGGCGCCAT[C>G]TTGCCCGACTCCATGTTATCCAGCCACTCGTCATCCGCGGAGACAGAGGAGAGAGGAGAG-3'
Protein context (NP_057059.2, residues 1-15): MESG[Lys5Asn]MAPPKNAPRD

ClinVar aggregate classification (germline): Uncertain significance (1 of 4 stars; one submission).

gnomAD v4.1: 4 of 1,210,765 alleles (0.00033%); highest among the groups gnomAD compares: Admixed American, 0.0087%; no homozygotes.

Submission:

Ambry Genetics
Classification: Uncertain significance. Last evaluated: 2026-03-17. Review status: criteria provided, single submitter. Criteria: Ambry Variant Classification Scheme 2023. Collection method: clinical testing. Allele origin: germline.
Comment: The c.15G>C (p.K5N) alteration is located in exon 1 (coding exon 1) of the TAF9B gene. This alteration results from a G to C substitution at nucleotide position 15, causing the lysine (K) at amino acid position 5 to be replaced by an asparagine (N). Based on data from gnomAD, the C allele has an overall frequency of 0.002% (3/182587) total alleles studied. The highest observed frequency was 0.011% (3/27308) of Latino alleles. Based on insufficient or conflicting evidence, the clinical significance of this alteration remains unclear.